The following is an entry in ClinVar:

NM_000404.4(GLB1):c.1852G>A (p.Val618Met)

Gene: GLB1 (galactosidase beta 1; minus strand). Cytogenetic location: 3p22.3.
Variant type: single nucleotide variant.
Coding change: c.1852G>A on transcript NM_000404.4 (MANE Select); coding-DNA position 1852, G replaced by A.
Protein change: p.Val618Met; replaces valine 618 with methionine.
Molecular consequence: missense variant.
Genome position (GRCh38, 1-based): chr3:32,997,227, C>T on the plus strand (G>A on the coding strand, the complement: GLB1 is on the minus strand). VCF-style: chr3-32997227-C-T. GRCh37 (hg19) VCF-style: chr3-33038719-C-T.
Other names: c.1762G>A, p.Val588Met (NM_001079811.3); c.1459G>A, p.Val487Met (NM_001135602.3); c.1996G>A, p.Val666Met (NM_001317040.2); short protein forms V618M, V666M, V487M, V588M.
Identifiers: ClinVar variation 1038644 (VCV001038644.2), dbSNP rs1375909576, ClinGen allele CA352000553.

ClinVar aggregate classification (germline): Uncertain significance (1 of 4 stars; one submission).

Conditions:
Mucopolysaccharidosis, MPS-IV-B (MPS4B). Also called: Mucopolysaccharidosis type IV B; Mucopolysaccharidosis Type IVB; Mucopolysaccharidosis type 4B; Mucopolysaccharidosis type IVB (Morquio); MPS IVB; MORQUIO SYNDROME B. Identifiers: Orphanet 309310, Orphanet 582, MedGen C0086652, MONDO:0009660, OMIM 253010.
GM1 gangliosidosis. Identifiers: Orphanet 354, MedGen C0085131, MONDO:0018149.

Allele frequency attached by ClinVar (database versions not stated): TOPMed below 0.00001; gnomAD 0.00001; gnomAD exomes 0.00001.
gnomAD v4.1: 15 of 1,614,048 alleles (0.00093%); highest among the groups gnomAD compares: African/African-American, 0.0067%; 1 homozygote.

Submission:

Labcorp Genetics (formerly Invitae), Labcorp
Classification: Uncertain significance for Mucopolysaccharidosis, MPS-IV-B; GM1 gangliosidosis. Last evaluated: 2022-10-31. Review status: criteria provided, single submitter. Criteria: Invitae Variant Classification Sherloc (09022015). Collection method: clinical testing. Allele origin: germline.
Comment: This sequence change replaces valine, which is neutral and non-polar, with methionine, which is neutral and non-polar, at codon 618 of the GLB1 protein (p.Val618Met). This variant is not present in population databases (gnomAD no frequency). This variant has not been reported in the literature in individuals affected with GLB1-related conditions. ClinVar contains an entry for this variant (Variation ID: 1038644). Advanced modeling of protein sequence and biophysical properties (such as structural, functional, and spatial information, amino acid conservation, physicochemical variation, residue mobility, and thermodynamic stability) performed at Invitae indicates that this missense variant is expected to disrupt GLB1 protein function. In summary, the available evidence is currently insufficient to determine the role of this variant in disease. Therefore, it has been classified as a Variant of Uncertain Significance.